The following is an entry in ClinVar:

ClinVar aggregate classification (germline): Likely benign (1 of 4 stars; one submission).

Conditions:
SERPINH1-related disorder. Also called: SERPINH1-related condition.

Submission:

PreventionGenetics, part of Exact Sciences
Classification: Likely benign for SERPINH1-related condition. Last evaluated: 2025-12-08. Review status: criteria provided, single submitter. Criteria: ACMG Guidelines, 2015. Collection method: clinical testing. Allele origin: germline.
Comment: This variant is classified as likely benign based on ACMG/AMP sequence variant interpretation guidelines (Richards et al. 2015 PMID: 25741868, with internal and published modifications).

NC_000011.10:g.75561613C>T

Gene: SERPINH1 (serpin family H member 1; plus strand). Cytogenetic location: 11q13.5.
Variant type: single nucleotide variant.
Genome position: GRCh38 VCF-style: chr11-75561613-C-T. GRCh37 (hg19) VCF-style: chr11-75272658-C-T.
Identifiers: ClinVar variation 4985660 (VCV004985660.1).